The following is an entry in ClinVar:

NM_001330288.2(SMARCC2):c.2851-5G>A

Gene: SMARCC2 (SWI/SNF related BAF chromatin remodeling complex subunit C2; minus strand). Cytogenetic location: 12q13.2.
Variant type: single nucleotide variant.
Coding change: c.2851-5G>A on transcript NM_001330288.2 (MANE Select); 5 bases into the intron before coding-DNA position 2851, G replaced by A.
Molecular consequence: intron variant.
Genome position (GRCh38, 1-based): chr12:56,165,704, C>T on the plus strand (G>A on the coding strand, the complement: SMARCC2 is on the minus strand). VCF-style: chr12-56165704-C-T. GRCh37 (hg19) VCF-style: chr12-56559488-C-T.
Other names: c.2758-5G>A (NM_003075.5); c.2851-5G>A (NM_139067.4, NM_001130420.3).
Identifiers: ClinVar variation 5005138 (VCV005005138.2).
Genomic context (GRCh38, chr12:56,165,704, plus strand): 5'-TGCTCCATGTGGAAGGCTTGTCTGTCGGCCAGGAGCTGCTGCCTCTGATACTCCAGCTGC[C>T]AGTGCCAATTGAGTATTGTTATCCAATTTTCAGCAGATCCCAAAGGCAAATGCCTCAACC-3'

ClinVar aggregate classification (germline): Uncertain significance (1 of 4 stars; one submission).

Conditions:
Coffin-Siris syndrome 8. Identifiers: MedGen C5193054, MONDO:0032702, OMIM 618362.

gnomAD v4.1: 3 of 1,607,990 alleles (0.00019%); highest among the groups gnomAD compares: East Asian, 0.0045%; no homozygotes.

Submission:

Juno Genomics, Hangzhou Juno Genomics, Inc
Classification: Uncertain significance for Coffin-Siris syndrome 8. Review status: criteria provided, single submitter. Criteria: ACMG Guidelines, 2015. Collection method: clinical testing. Allele origin: germline.
Comment: Absent from controls (or at extremely low frequency if recessive) in Genome Aggregation Database.;Multiple lines of computational evidence support a deleterious effect on the gene or gene product.